The following is an entry in ClinVar:

NM_000313.4(PROS1):c.1998T>A (p.Cys666Ter)

Gene: PROS1 (protein S; minus strand). Cytogenetic location: 3q11.1.
Variant type: single nucleotide variant.
Coding change: c.1998T>A on transcript NM_000313.4 (MANE Select); coding-DNA position 1998, T replaced by A.
Protein change: p.Cys666Ter; replaces cysteine 666 with a stop codon.
Molecular consequence: nonsense.
Genome position (GRCh38, 1-based): chr3:93,874,278, A>T on the plus strand (T>A on the coding strand, the complement: PROS1 is on the minus strand). VCF-style: chr3-93874278-A-T. GRCh37 (hg19) VCF-style: chr3-93593122-A-T.
Other names: c.2094T>A, p.Cys698Ter (NM_001314077.2); short protein forms C698*, C666*.
Identifiers: ClinVar variation 567962 (VCV000567962.5), dbSNP rs1559926604, ClinGen allele CA353669469.

ClinVar aggregate classification (germline): Pathogenic (1 of 4 stars; one submission).

Conditions:
Thrombophilia due to protein S deficiency, autosomal recessive (THPH6). Identifiers: Orphanet 743, MedGen C3281092, MONDO:0013791, OMIM 614514. Disease mechanism: loss of function.

Submission:

Labcorp Genetics (formerly Invitae), Labcorp
Classification: Pathogenic for Thrombophilia due to protein S deficiency, autosomal recessive. Last evaluated: 2023-07-14. Review status: criteria provided, single submitter. Criteria: Invitae Variant Classification Sherloc (09022015). Collection method: clinical testing. Allele origin: germline.
Comment: For these reasons, this variant has been classified as Pathogenic. This variant disrupts a region of the PROS1 protein in which other variant(s) (p.Pro667Leu) have been determined to be pathogenic (PMID: 20181378, 29748776, 30669159; Invitae). This suggests that this is a clinically significant region of the protein, and that variants that disrupt it are likely to be disease-causing. ClinVar contains an entry for this variant (Variation ID: 567962). This variant has not been reported in the literature in individuals affected with PROS1-related conditions. This variant is not present in population databases (gnomAD no frequency). This sequence change creates a premature translational stop signal (p.Cys666*) in the PROS1 gene. While this is not anticipated to result in nonsense mediated decay, it is expected to disrupt the last 11 amino acid(s) of the PROS1 protein.

Literature cited by the submitters: PubMed 20181378; PubMed 29748776; PubMed 30669159.